The following is an entry in ClinVar:

ClinVar aggregate classification (germline): Pathogenic (1 of 4 stars; one submission).

Conditions:
Ataxia-telangiectasia-like disorder (ATLD). Identifiers: MedGen C1858391, MONDO:0011457.

Submission:

Labcorp Genetics (formerly Invitae), Labcorp
Classification: Pathogenic for Ataxia-telangiectasia-like disorder. Last evaluated: 2023-09-20. Review status: criteria provided, single submitter. Criteria: Invitae Variant Classification Sherloc (09022015). Collection method: clinical testing. Allele origin: germline.
Comment: A gross deletion of the genomic region encompassing the full coding sequence of the MRE11 gene has been identified. Loss-of-function variants in MRE11 are known to be pathogenic (PMID: 23080121, 23912341). The boundaries of this event are unknown as they extend beyond the assayed region for this gene and therefore may encompass additional genes. This variant has not been reported in the literature in individuals affected with MRE11-related conditions. For these reasons, this variant has been classified as Pathogenic.

Literature cited by the submitters: PubMed 23080121; PubMed 23912341.

NC_000011.9:g.(?_94153291)_(94225967_?)del

Gene: MRE11 (MRE11 homolog, double strand break repair nuclease; minus strand). Cytogenetic location: 11q21.
Variant type: Deletion.
Identifiers: ClinVar variation 1681442 (VCV001681442.3).